The following is an entry in ClinVar:

NM_031263.4(HNRNPK):c.80T>C (p.Met27Thr)

Gene: HNRNPK (heterogeneous nuclear ribonucleoprotein K; minus strand). Cytogenetic location: 9q21.32.
Variant type: single nucleotide variant.
Coding change: c.80T>C on transcript NM_031263.4 (MANE Select); coding-DNA position 80, T replaced by C.
Protein change: p.Met27Thr; replaces methionine 27 with threonine.
Molecular consequence: missense variant.
Genome position (GRCh38, 1-based): chr9:83,977,765, A>G on the plus strand (T>C on the coding strand, the complement: HNRNPK is on the minus strand). VCF-style: chr9-83977765-A-G. GRCh37 (hg19) VCF-style: chr9-86592680-A-G.
Other names: c.80T>C, p.Met27Thr (NM_001318186.2, NM_001318187.2, NM_001318188.2 and 2 more transcripts); short protein forms M27T.
Identifiers: ClinVar variation 2673176 (VCV002673176.23), dbSNP rs1036486836, ClinGen allele CA195468413.

ClinVar aggregate classification (germline): Likely benign (1 of 4 stars; one submission).

Allele frequency attached by ClinVar (database versions not stated): TOPMed 0.00003; gnomAD 0.00004.

Submission:

CeGaT Center for Human Genetics Tuebingen
Classification: Likely benign. Last evaluated: 2023-11-01. Review status: criteria provided, single submitter. Criteria: CeGaT Center For Human Genetics Tuebingen Variant Classification Criteria Version 2. Collection method: clinical testing. Allele origin: germline. Affected: yes. Observed: 1 variant allele.
Comment: HNRNPK: BP5